The following is an entry in ClinVar:

ClinVar aggregate classification (germline): Uncertain significance. Review status: criteria provided, multiple submitters, no conflicts (2 of 4 stars). 3 submissions from 3 submitters: Uncertain significance (3). Last evaluated 2025-12-07.

Conditions:
Hereditary cancer-predisposing syndrome. Also called: Neoplastic Syndromes, Hereditary; Tumor predisposition; Hereditary Cancer Syndrome; Hereditary neoplastic syndrome. Identifiers: Orphanet 140162, MedGen C0027672, MeSH D009386, MONDO:0015356.

Allele frequency attached by ClinVar (database versions not stated): gnomAD exomes below 0.00001.
gnomAD v4.1: 1 of 1,613,478 alleles (0.000062%); highest among the groups gnomAD compares: Admixed American, 0.0017%; no homozygotes.

Submissions (3):

Women's Health and Genetics/Laboratory Corporation of America, LabCorp
Classification: Uncertain significance. Last evaluated: 2025-12-07. Review status: criteria provided, single submitter. Criteria: LabCorp Variant Classification Summary - May 2015. Collection method: clinical testing. Allele origin: germline.

Color Diagnostics, LLC DBA Color Health
Classification: Uncertain significance for Hereditary cancer-predisposing syndrome. Last evaluated: 2024-03-07. Review status: criteria provided, single submitter. Criteria: ACMG Guidelines, 2015. Collection method: clinical testing. Allele origin: germline.
Comment: This missense variant replaces lysine with arginine at codon 503 of the BRIP1 protein. Computational prediction suggests that this variant may not impact protein structure and function (internally defined REVEL score threshold <= 0.5, PMID: 27666373). To our knowledge, functional studies have not been reported for this variant. This variant has not been reported in individuals affected with hereditary cancer in the literature. This variant has been identified in 1/251362 chromosomes in the general population by the Genome Aggregation Database (gnomAD). The available evidence is insufficient to determine the role of this variant in disease conclusively. Therefore, this variant is classified as a Variant of Uncertain Significance.

GeneDx
Classification: Uncertain significance. Last evaluated: 2024-02-15. Review status: criteria provided, single submitter. Criteria: GeneDx Variant Classification Process June 2021. Collection method: clinical testing. Allele origin: germline. Affected: yes.
Comment: Not observed at significant frequency in large population cohorts (gnomAD); In silico analysis supports that this missense variant does not alter protein structure/function; Has not been previously published as pathogenic or benign to our knowledge

NM_032043.3(BRIP1):c.1508A>G (p.Lys503Arg)

Gene: BRIP1 (BRCA1 interacting DNA helicase 1; minus strand). Cytogenetic location: 17q23.2.
Variant type: single nucleotide variant.
Coding change: c.1508A>G on transcript NM_032043.3 (MANE Select); coding-DNA position 1508, A replaced by G.
Protein change: p.Lys503Arg; replaces lysine 503 with arginine.
Molecular consequence: missense variant.
Genome position (GRCh38, 1-based): chr17:61,784,390, T>C on the plus strand (A>G on the coding strand, the complement: BRIP1 is on the minus strand). VCF-style: chr17-61784390-T-C. GRCh37 (hg19) VCF-style: chr17-59861751-T-C.
Other names: short protein forms K503R.
Identifiers: ClinVar variation 2774999 (VCV002774999.4), dbSNP rs1310324883, ClinGen allele CA400481378.